The following is an entry in ClinVar:

ClinVar aggregate classification (germline): Pathogenic (1 of 4 stars; one submission).

Conditions:
Developmental and epileptic encephalopathy. Identifiers: MedGen C5779964, MONDO:0100620.

Submission:

Labcorp Genetics (formerly Invitae), Labcorp
Classification: Pathogenic for Early-infantile DEE. Last evaluated: 2022-10-17. Review status: criteria provided, single submitter. Criteria: Invitae Variant Classification Sherloc (09022015). Collection method: clinical testing. Allele origin: germline.
Comment: For these reasons, this variant has been classified as Pathogenic. This variant has not been reported in the literature in individuals affected with SCN1A-related conditions. This variant is a gross deletion of the genomic region encompassing exon(s) 11-12 of the SCN1A gene. This deletion is out-of-frame, and is expected to create a premature termination codon and result in an absent or disrupted protein product. Loss-of-function variants in SCN1A are known to be pathogenic (PMID: 17347258, 18930999).

Literature cited by the submitters: PubMed 17347258; PubMed 18930999.

NC_000002.12:g.(?_166042272)_(166044069_?)del

Gene: SCN1A (sodium voltage-gated channel alpha subunit 1; minus strand). Cytogenetic location: 2q24.3.
Variant type: Deletion.
Identifiers: ClinVar variation 831555 (VCV000831555.4).